The following is an entry in ClinVar:

NM_001378454.1(ALMS1):c.10153_10158dup (p.Ala3386_Val3387insArgAla)

Gene: ALMS1 (ALMS1 centrosome and basal body associated protein; plus strand). Cytogenetic location: 2p13.1.
Variant type: Duplication.
Coding change: c.10153_10158dup on transcript NM_001378454.1 (MANE Select); coding-DNA positions 10153 to 10158, 6 bases duplicated (AGGGCA; older notation c.10153_10158dupAGGGCA).
Protein change: p.Ala3386_Val3387insArgAla.
Molecular consequence: inframe insertion.
Genome position (GRCh38, 1-based): chr2:73,557,294-73,557,299, AGGGCA duplicated; duplicating any 6 consecutive bases within chr2:73,557,292-73,557,299 gives the same sequence; the c. name uses the placement nearest the transcript's 3' end. VCF-style (leftmost placement, unchanged base first): chr2-73557291-A-ACAAGGG. GRCh37 (hg19) VCF-style: chr2-73784418-A-ACAAGGG.
Other names: c.10156_10161dup, p.Ala3387_Val3388insArgAla (NM_015120.4).
Identifiers: ClinVar variation 2414768 (VCV002414768.6), dbSNP rs2466402806, ClinGen allele CA2580068150.

ClinVar aggregate classification (germline): Uncertain significance (1 of 4 stars; one submission).

Conditions:
Alstrom syndrome (ALMS). Identifiers: Orphanet 64, MedGen C0268425, MONDO:0008763, OMIM 203800.

Submission:

Labcorp Genetics (formerly Invitae), Labcorp
Classification: Uncertain significance for Alstrom syndrome. Last evaluated: 2023-12-11. Review status: criteria provided, single submitter. Criteria: Invitae Variant Classification Sherloc (09022015). Collection method: clinical testing. Allele origin: germline.
Comment: This variant, c.10156_10161dup, results in the insertion of 2 amino acid(s) of the ALMS1 protein (p.Arg3386_Ala3387dup), but otherwise preserves the integrity of the reading frame. This variant is not present in population databases (gnomAD no frequency). This variant has not been reported in the literature in individuals affected with ALMS1-related conditions. ClinVar contains an entry for this variant (Variation ID: 2414768). Experimental studies and prediction algorithms are not available or were not evaluated, and the functional significance of this variant is currently unknown. In summary, the available evidence is currently insufficient to determine the role of this variant in disease. Therefore, it has been classified as a Variant of Uncertain Significance.